The following is an entry in ClinVar:

ClinVar aggregate classification (germline): Uncertain significance (1 of 4 stars; one submission).

Conditions:
Benign neonatal seizures. Also called: Benign familial neonatal epilepsy; Convulsions benign familial neonatal dominant form; Autosomal dominant form of benign neonatal seizures; Benign neonatal familial convulsions; Benign familial neonatal seizures. Identifiers: Orphanet 1949, MedGen C0220669, MONDO:0016027.

Allele frequency attached by ClinVar (database versions not stated): TOPMed below 0.00001; gnomAD exomes 0.00003.
gnomAD v4.1: 40 of 1,614,176 alleles (0.0025%); highest among the groups gnomAD compares: Non-Finnish European, 0.0033%; no homozygotes.

Submission:

Labcorp Genetics (formerly Invitae), Labcorp
Classification: Uncertain significance for Benign neonatal seizures. Last evaluated: 2022-03-20. Review status: criteria provided, single submitter. Criteria: Invitae Variant Classification Sherloc (09022015). Collection method: clinical testing. Allele origin: germline.
Comment: In summary, the available evidence is currently insufficient to determine the role of this variant in disease. Therefore, it has been classified as a Variant of Uncertain Significance. Algorithms developed to predict the effect of missense changes on protein structure and function are either unavailable or do not agree on the potential impact of this missense change (SIFT: "Tolerated"; PolyPhen-2: "Possibly Damaging"; Align-GVGD: "Class C0"). This variant has not been reported in the literature in individuals affected with KCNQ3-related conditions. This variant is not present in population databases (gnomAD no frequency). This sequence change replaces proline, which is neutral and non-polar, with leucine, which is neutral and non-polar, at codon 461 of the KCNQ3 protein (p.Pro461Leu).

NM_004519.4(KCNQ3):c.1382C>T (p.Pro461Leu)

Gene: KCNQ3 (potassium voltage-gated channel subfamily Q member 3; minus strand). Cytogenetic location: 8q24.22.
Variant type: single nucleotide variant.
Coding change: c.1382C>T on transcript NM_004519.4 (MANE Select); coding-DNA position 1382, C replaced by T.
Protein change: p.Pro461Leu; replaces proline 461 with leucine.
Molecular consequence: missense variant.
Genome position (GRCh38, 1-based): chr8:132,141,212, G>A on the plus strand (C>T on the coding strand, the complement: KCNQ3 is on the minus strand). VCF-style: chr8-132141212-G-A. GRCh37 (hg19) VCF-style: chr8-133153459-G-A.
Other names: c.1022C>T, p.Pro341Leu (NM_001204824.2); short protein forms P461L, P341L.
Identifiers: ClinVar variation 2084568 (VCV002084568.4), dbSNP rs1825285958, ClinGen allele CA372220008.